The following is an entry in ClinVar:

ClinVar aggregate classification (germline): Uncertain significance (1 of 4 stars; one submission).

Allele frequency attached by ClinVar (database versions not stated): ESP Exome Variant Server 0.00008; TOPMed 0.00008; gnomAD 0.00017; ExAC 0.00049; 1000 Genomes Project 0.00060; 1000 Genomes Project 30x 0.00062.
gnomAD v4.1: 183 of 1,559,748 alleles (0.012%); highest among the groups gnomAD compares: South Asian, 0.16%; 3 homozygotes.

Submission:

Labcorp Genetics (formerly Invitae), Labcorp
Classification: Uncertain significance. Last evaluated: 2025-06-03. Review status: criteria provided, single submitter. Criteria: Invitae Variant Classification Sherloc (09022015). Collection method: clinical testing. Allele origin: germline.
Comment: This sequence change replaces alanine, which is neutral and non-polar, with valine, which is neutral and non-polar, at codon 2700 of the FBN3 protein (p.Ala2700Val). This variant is present in population databases (rs370743995, gnomAD 0.2%), and has an allele count higher than expected for a pathogenic variant. This variant has not been reported in the literature in individuals affected with FBN3-related conditions. ClinVar contains an entry for this variant (Variation ID: 2045737). Invitae Evidence Modeling of protein sequence and biophysical properties (such as structural, functional, and spatial information, amino acid conservation, physicochemical variation, residue mobility, and thermodynamic stability) indicates that this missense variant is not expected to disrupt FBN3 protein function with a negative predictive value of 80%. In summary, the available evidence is currently insufficient to determine the role of this variant in disease. Therefore, it has been classified as a Variant of Uncertain Significance.

NM_032447.5(FBN3):c.8099C>T (p.Ala2700Val)

Gene: FBN3 (fibrillin 3; minus strand). Cytogenetic location: 19p13.2.
Variant type: single nucleotide variant.
Coding change: c.8099C>T on transcript NM_032447.5 (MANE Select); coding-DNA position 8099, C replaced by T.
Protein change: p.Ala2700Val; replaces alanine 2700 with valine.
Molecular consequence: missense variant.
Genome position (GRCh38, 1-based): chr19:8,066,250, G>A on the plus strand (C>T on the coding strand, the complement: FBN3 is on the minus strand). VCF-style: chr19-8066250-G-A. GRCh37 (hg19) VCF-style: chr19-8131134-G-A.
Other names: c.8099C>T, p.Ala2700Val (NM_001321431.2); short protein forms A2700V.
Identifiers: ClinVar variation 2045737 (VCV002045737.4), dbSNP rs370743995, ClinGen allele CA9150631.